The following is an entry in ClinVar:

ClinVar aggregate classification (germline): Uncertain significance (1 of 4 stars; one submission).

Allele frequency attached by ClinVar (database versions not stated): gnomAD 0.00001; gnomAD exomes 0.00001; TOPMed 0.00001.
gnomAD v4.1: 14 of 1,586,892 alleles (0.00088%); highest among the groups gnomAD compares: Non-Finnish European, 0.001%; no homozygotes.

Submission:

Labcorp Genetics (formerly Invitae), Labcorp
Classification: Uncertain significance. Last evaluated: 2022-05-04. Review status: criteria provided, single submitter. Criteria: Invitae Variant Classification Sherloc (09022015). Collection method: clinical testing. Allele origin: germline.
Comment: This sequence change replaces glutamic acid, which is acidic and polar, with aspartic acid, which is acidic and polar, at codon 605 of the COL13A1 protein (p.Glu605Asp). This variant is not present in population databases (gnomAD no frequency). This variant has not been reported in the literature in individuals affected with COL13A1-related conditions. Algorithms developed to predict the effect of missense changes on protein structure and function are either unavailable or do not agree on the potential impact of this missense change (SIFT: "Deleterious"; PolyPhen-2: "Probably Damaging"; Align-GVGD: "Class C0"). In summary, the available evidence is currently insufficient to determine the role of this variant in disease. Therefore, it has been classified as a Variant of Uncertain Significance.

NM_001368882.1(COL13A1):c.1848A>C (p.Glu616Asp)

Gene: COL13A1 (collagen type XIII alpha 1 chain; plus strand). Cytogenetic location: 10q22.1.
Variant type: single nucleotide variant.
Coding change: c.1848A>C on transcript NM_001368882.1 (MANE Select); coding-DNA position 1848, A replaced by C.
Protein change: p.Glu616Asp; replaces glutamic acid 616 with aspartic acid.
Molecular consequence: missense variant.
Genome position (GRCh38, 1-based): chr10:69,937,685, A>C. VCF-style: chr10-69937685-A-C. GRCh37 (hg19) VCF-style: chr10-71697441-A-C.
Other names: c.1815A>C, p.Glu605Asp (NM_001130103.2); c.1740A>C, p.Glu580Asp (NM_001320951.2); c.1725A>C, p.Glu575Asp (NM_001368883.1); c.1698A>C, p.Glu566Asp (NM_001368884.1); c.1662A>C, p.Glu554Asp (NM_001368885.1); c.1140A>C, p.Glu380Asp (NM_001368886.1); c.1671A>C, p.Glu557Asp (NM_001368895.1); c.1557A>C, p.Glu519Asp (NM_001368896.1); and 7 more; short protein forms E528D, E548D, E554D, E583D, E380D, E519D, E533D, E557D.
Identifiers: ClinVar variation 1897366 (VCV001897366.2), dbSNP rs760061618, ClinGen allele CA209280917.
Genomic context (GRCh38, chr10:69,937,685, plus strand): 5'-TTTCCTCCAGGGGGAAGCAGGACTAGATGGAGCAAAAGGAGAGAAAGGCTTCCAGGGAGA[A>C]AAAGGAGACCGTGGTCCCCTGGGACTACCCGTAAGTACCTTGGACCCAGCAAGACTGGTG-3'
Protein context (NP_001355811.1, residues 606-626): GAKGEKGFQG[Glu616Asp]KGDRGPLGLP